The following is an entry in ClinVar:

NM_000350.3(ABCA4):c.772C>T (p.Pro258Ser)

Gene: ABCA4 (ATP binding cassette subfamily A member 4; minus strand). Cytogenetic location: 1p22.1.
Variant type: single nucleotide variant.
Coding change: c.772C>T on transcript NM_000350.3 (MANE Select); coding-DNA position 772, C replaced by T.
Protein change: p.Pro258Ser; replaces proline 258 with serine.
Molecular consequence: missense variant.
Genome position (GRCh38, 1-based): chr1:94,083,438, G>A on the plus strand (C>T on the coding strand, the complement: ABCA4 is on the minus strand). VCF-style: chr1-94083438-G-A. GRCh37 (hg19) VCF-style: chr1-94548994-G-A.
Other names: c.772C>T, p.Pro258Ser (NM_001425324.1); short protein forms P258S.
Identifiers: ClinVar variation 864494 (VCV000864494.8), dbSNP rs780691922, ClinGen allele CA958727.

ClinVar aggregate classification (germline): Uncertain significance. Review status: criteria provided, multiple submitters, no conflicts (2 of 4 stars). 4 submissions from 4 submitters: Uncertain significance (4). Last evaluated 2026-03-13.

Conditions:
Inborn genetic diseases. Identifiers: MedGen C0950123, MeSH D030342.
ABCA4-related disorder. Also called: ABCA4-related condition; ABCA4-related disorders. Identifiers: MedGen CN239167.

Allele frequency attached by ClinVar (database versions not stated): ExAC 0.00004; gnomAD exomes 0.00006 and 0.00001; gnomAD 0.00001; TOPMed 0.00001.
gnomAD v4.1: 21 of 1,612,654 alleles (0.0013%); highest among the groups gnomAD compares: Admixed American, 0.033%; no homozygotes.

Submissions (4):

PreventionGenetics, part of Exact Sciences
Classification: Uncertain significance for ABCA4-related condition. Last evaluated: 2026-03-13. Review status: criteria provided, single submitter. Criteria: ACMG Guidelines, 2015. Collection method: clinical testing. Allele origin: germline.
Comment: The ABCA4 c.772C>T variant is predicted to result in the amino acid substitution p.Pro258Ser. To our knowledge, this variant has not been reported in the literature. This variant is reported in 0.038% of alleles in individuals of Latino descent in gnomAD. At this time, the clinical significance of this variant is uncertain due to the absence of conclusive functional and genetic evidence.

Ambry Genetics
Classification: Uncertain significance for Inborn genetic diseases. Last evaluated: 2023-12-06. Review status: criteria provided, single submitter. Criteria: Ambry Variant Classification Scheme 2023. Collection method: clinical testing. Allele origin: germline.

Labcorp Genetics (formerly Invitae), Labcorp
Classification: Uncertain significance. Last evaluated: 2022-07-19. Review status: criteria provided, single submitter. Criteria: Invitae Variant Classification Sherloc (09022015). Collection method: clinical testing. Allele origin: germline.
Comment: This sequence change replaces proline, which is neutral and non-polar, with serine, which is neutral and polar, at codon 258 of the ABCA4 protein (p.Pro258Ser). This variant is present in population databases (rs780691922, gnomAD 0.04%). This variant has not been reported in the literature in individuals affected with ABCA4-related conditions. ClinVar contains an entry for this variant (Variation ID: 864494). Advanced modeling of protein sequence and biophysical properties (such as structural, functional, and spatial information, amino acid conservation, physicochemical variation, residue mobility, and thermodynamic stability) performed at Invitae indicates that this missense variant is not expected to disrupt ABCA4 protein function. In summary, the available evidence is currently insufficient to determine the role of this variant in disease. Therefore, it has been classified as a Variant of Uncertain Significance.

Blueprint Genetics
Classification: Uncertain significance. Last evaluated: 2022-03-15. Review status: criteria provided, single submitter. Criteria: ACMG Guidelines, 2015. Collection method: clinical testing. Allele origin: germline.